The following is an entry in ClinVar:

NM_003742.4(ABCB11):c.2012-8T>G

Gene: ABCB11 (ATP binding cassette subfamily B member 11; minus strand). Cytogenetic location: 2q31.1.
Variant type: single nucleotide variant.
Coding change: c.2012-8T>G on transcript NM_003742.4 (MANE Select); 8 bases into the intron before coding-DNA position 2012, T replaced by G.
Molecular consequence: intron variant.
Genome position (GRCh38, 1-based): chr2:168,968,498, A>C on the plus strand (T>G on the coding strand, the complement: ABCB11 is on the minus strand). VCF-style: chr2-168968498-A-C. GRCh37 (hg19) VCF-style: chr2-169825008-A-C.
Other names: c.2012-8T>G (LRG_1199t1).
Identifiers: ClinVar variation 284637 (VCV000284637.31), dbSNP rs769910565, ClinGen allele CA1951396.

ClinVar aggregate classification (germline): Pathogenic/Likely pathogenic. Review status: criteria provided, multiple submitters, no conflicts (2 of 4 stars). 12 submissions from 12 submitters: Pathogenic (10); Likely pathogenic (1). 1 of the submissions does not count toward it. Last evaluated 2026-04-14.

Conditions:
Familial intrahepatic cholestasis. Identifiers: Orphanet 284385, MedGen CN296401, MONDO:0017290.
Cholestasis, intrahepatic, of pregnancy, 3. Identifiers: Orphanet 69665, MedGen C3554241, MONDO:0013995, OMIM 614972.
Progressive familial intrahepatic cholestasis type 2. Identifiers: Orphanet 79304, MedGen C3489789, MONDO:0011156, OMIM 601847.
Progressive familial intrahepatic cholestasis (PFIC). Also called: Progressive intrahepatic cholestasis; Progressive family intrahepatic cholestasis. Identifiers: Orphanet 172, MedGen C0268312, MONDO:0015762.
Benign recurrent intrahepatic cholestasis type 2 (BRIC2). Also called: Recurrent familial intrahepatic cholestasis 2. Identifiers: Orphanet 65682, Orphanet 99961, MedGen C2608083, MONDO:0011559, OMIM 605479.
ABCB11-related disorder. Also called: ABCB11-related condition.

Allele frequency attached by ClinVar (database versions not stated): ExAC 0.00001; gnomAD exomes 0.00002; TOPMed 0.00004; gnomAD 0.00005 and 0.00006.
gnomAD v4.1: 133 of 1,607,848 alleles (0.0083%); highest among the groups gnomAD compares: Non-Finnish European, 0.011%; no homozygotes.

Submissions (12):

Genomenon, Inc
Classification: Pathogenic for Familial intrahepatic cholestasis. Last evaluated: 2026-04-14. Review status: criteria provided, single submitter. Criteria: Genomenon Sequence Variant Interpretation Standards - Updated. Collection method: curation. Allele origin: germline. Affected: yes.
Comment: ABCB11 c.2012-8T>G is an intronic variant located in the acceptor splice region of intron 16. This variant has been observed in at least one proband with an ABCB11-related disorder (PMID:38590732;35780807;32581362;24231640;24402531;18395098;16871584;21490445). In silico models predict that this variant is possibly or probably damaging, and this variant has been reported to result in aberrant splicing (PMID:18395098;16871584). It is absent or not present at a significant frequency in gnomAD. In conclusion, we classify ABCB11 c.2012-8T>G as a pathogenic variant.

PreventionGenetics, part of Exact Sciences
Classification: Pathogenic for ABCB11-related condition. Last evaluated: 2025-07-14. Review status: criteria provided, single submitter. Criteria: ACMG Guidelines, 2015. Collection method: clinical testing. Allele origin: germline.
Comment: The ABCB11 c.2012-8T>G variant is predicted to interfere with splicing. This variant was previously reported in the compound heterozygous state in individuals who presented with familial intrahepatic cholestasis (Knisely et al. 2006. PubMed ID: 16871584, reported as IVS16-8T>G; Siebold et al. 2010. PubMed ID: 20583290; Strautnieks et al. 2008. PubMed ID: 18395098). In vitro analysis from one study indicated that this variant led to skipping of exon 17 and a resulting frameshift with premature protein termination (Knisely et al. 2006. PubMed ID: 16871584). This variant is reported in 0.0056% of alleles in individuals of European (Non-Finnish) descent in gnomAD and is interpreted as pathogenic/likely pathogenic in ClinVar. This variant is interpreted as pathogenic.

Natera, Inc.
Classification: Pathogenic for Progressive familial intrahepatic cholestasis type 2. Last evaluated: 2025-01-29. Review status: criteria provided, single submitter. Criteria: Natera Variant Classification Schema (03/2026). Collection method: clinical testing. Allele origin: germline.
Comment: The c.2012-8T>G variant in ABCB11 is an intronic variant located outside the canonical splice sites. This variant is rare in the general population with a frequency below the threshold expected for the associated phenotype(s). This variant has been observed in one or more individuals affected with the associated recessive disease, as either homozygous or compound heterozygous with a second variant (PMID: 20583290). Given the available evidence, this variant is classified as Pathogenic.

Labcorp Genetics (formerly Invitae), Labcorp
Classification: Pathogenic. Last evaluated: 2024-03-16. Review status: criteria provided, single submitter. Criteria: Invitae Variant Classification Sherloc (09022015). Collection method: clinical testing. Allele origin: germline.
Comment: This sequence change falls in intron 16 of the ABCB11 gene. It does not directly change the encoded amino acid sequence of the ABCB11 protein. This variant is present in population databases (rs769910565, gnomAD 0.006%). This variant has been observed in individuals with ABCB11-related conditions (PMID: 18395098). ClinVar contains an entry for this variant (Variation ID: 284637). Algorithms developed to predict the effect of sequence changes on RNA splicing suggest that this variant may disrupt the consensus splice site. For these reasons, this variant has been classified as Pathogenic.

Baylor Genetics
Classification: Pathogenic for Benign recurrent intrahepatic cholestasis type 2. Last evaluated: 2024-02-12. Review status: criteria provided, single submitter. Criteria: ACMG Guidelines, 2015. Collection method: clinical testing. Allele origin: unknown.

Women's Health and Genetics/Laboratory Corporation of America, LabCorp
Classification: Pathogenic for Progressive familial intrahepatic cholestasis. Last evaluated: 2023-12-11. Review status: criteria provided, single submitter. Criteria: LabCorp Variant Classification Summary - May 2015. Collection method: clinical testing. Allele origin: germline.
Comment: Variant summary: ABCB11 c.2012-8T>G alters a non-conserved nucleotide located close to a canonical splice site and therefore could affect mRNA splicing, leading to a significantly altered protein sequence. Several computational tools predict a significant impact on normal splicing: Three predict the variant creates a 3' cryptic acceptor site. One predict the variant no significant impact on splicing. However, these predictions have yet to be confirmed by functional studies. The variant allele was found at a frequency of 2.5e-05 in 244560 control chromosomes. c.2012-8T>G has been reported in the literature at a compound heterozygous state along with difference pathogenic variants in multiple individuals affected with Familial Intrahepatic Cholestasis (examples, Knisely_2006, Strautnieks_2008). These data indicate that the variant is very likely to be associated with disease. One publication reports experimental evidence evaluating an impact on splicing, however, detailed information of such results are not available for an independent evaluation (Strautnieks_2008). The following publications have been ascertained in the context of this evaluation (PMID: 16871584, 18395098). Seven submitters have cited clinical-significance assessments for this variant to ClinVar after 2014. All submitters classified the variant as pathogenic/likely pathogenic. Based on the evidence outlined above, the variant was classified as pathogenic.

GeneDx
Classification: Pathogenic. Last evaluated: 2023-03-13. Review status: criteria provided, single submitter. Criteria: GeneDx Variant Classification Process June 2021. Collection method: clinical testing. Allele origin: germline. Affected: yes.
Comment: Non-canonical splice site variant demonstrated to result in loss of function (Strautnieks et al., 2008); This variant is associated with the following publications: (PMID: 16871584, 32581362, 35894240, 24402531, 20583290, 24231640, 18395098)

Blueprint Genetics
Classification: Pathogenic for ABCB11-related disorders. Last evaluated: 2023-02-20. Review status: criteria provided, single submitter. Criteria: ACMG Guidelines, 2015. Collection method: clinical testing. Allele origin: germline. Affected: yes. Observed: 3 variant alleles.

Fulgent Genetics
Classification: Pathogenic for Progressive familial intrahepatic cholestasis type 2; Benign recurrent intrahepatic cholestasis type 2. Last evaluated: 2018-10-31. Review status: criteria provided, single submitter. Criteria: ACMG Guidelines, 2015. Collection method: clinical testing. Allele origin: unknown.

Illumina Laboratory Services, Illumina
Classification: Likely pathogenic for Progressive familial intrahepatic cholestasis type 2. Last evaluated: 2018-10-23. Review status: criteria provided, single submitter. Criteria: ICSL Variant Classification Criteria 09 May 2019. Collection method: clinical testing. Allele origin: germline.
Comment: The ABCB11 c.2012-8T>G variant has been identified in a compound heterozygous state in at least six probands and in a heterozygous state in one proband in whom a second variant was not identified, all with familial intrahepatic cholestasis (Knisely et al. 2006; Siebold et al. 2010; Strautnieks et al. 2008; Grammatikopoulos et al. 2015). The c.2012-8T>G variant was absent from 500 control individuals and is reported at a frequency of 0.000056 in the European (non-Finnish) population of the Genome Aggregation Database. Based on the evidence, the c.2012-8T>G variant is classified as likely pathogenic for familial intrahepatic cholestasis. This variant was observed by ICSL as part of a predisposition screen in an ostensibly healthy population.

Eurofins Ntd Llc (ga)
Classification: Pathogenic. Last evaluated: 2017-02-01. Review status: criteria provided, single submitter. Criteria: EGL Classification Definitions 2015. Collection method: clinical testing. Allele origin: germline. Observed: 8 variant alleles, 7 heterozygotes, 1 homozygote.

NIHR Bioresource Rare Diseases, University of Cambridge
Classification: Likely pathogenic for Cholestasis, intrahepatic, of pregnancy, 3. Review status: no assertion criteria provided. Collection method: research. Allele origin: unknown. Affected: yes. Observed: 2 variant alleles. Not counted in ClinVar's aggregate classification.

Literature cited by the submitters: PubMed 38590732 (cited by Genomenon, Inc); PubMed 35780807 (cited by Genomenon, Inc); PubMed 32581362 (cited by Genomenon, Inc and NIHR Bioresource Rare Diseases, University of Cambridge); PubMed 24231640 (cited by Genomenon, Inc and Illumina Laboratory Services, Illumina); PubMed 24402531 (cited by Genomenon, Inc and Eurofins Ntd Llc (ga)); PubMed 18395098 (cited by 4 submitters); PubMed 16871584 (cited by 4 submitters); PubMed 21490445 (cited by Genomenon, Inc); PubMed 20583290 (cited by 3 submitters).